The following is an entry in ClinVar:

ClinVar aggregate classification (germline): Pathogenic (1 of 4 stars; one submission).

Conditions:
Neurofibromatosis, type 1 (NF1). Also called: VON RECKLINGHAUSEN DISEASE; Neurofibromatosis, type I; NEUROFIBROMATOSIS, TYPE I, SOMATIC; Peripheral type neurofibromatosis. Identifiers: Orphanet 636, MedGen C0027831, MONDO:0018975, OMIM 162200. Disease mechanism: loss of function.

Submission:

Molecular Diagnostics Laboratory, M Health Fairview: University of Minnesota
Classification: Pathogenic for Neurofibromatosis, type 1. Last evaluated: 2026-06-08. Review status: criteria provided, single submitter. Criteria: ACMG Guidelines, 2015. Collection method: clinical testing. Allele origin: de novo. Affected: yes.
Comment: The c.6786_6787dup (p.Gln2263Argfs*3) variant in NF1 is a frameshift variant predicted to introduce a premature stop codon in exon 45 of 58. This variant was not identified as a known pathogenic variant in a review of relevant medical literature and clinical databases, but other truncating variants both upstream and downstream of this variant are classified as pathogenic in the ClinVar database. This variant is absent from the gnomAD v4.1 control database. Based on the available evidence, this variant is classified as pathogenic.

NM_001042492.3(NF1):c.6786_6787dup (p.Gln2263fs)

Gene: NF1 (neurofibromin 1; plus strand). Cytogenetic location: 17q11.2.
Variant type: Duplication.
Coding change: c.6786_6787dup on transcript NM_001042492.3 (MANE Select); coding-DNA positions 6786 to 6787, 2 bases duplicated (GC; older notation c.6786_6787dupGC).
Protein change: p.Gln2263fs; shifts the reading frame from glutamine 2263.
Molecular consequence: frameshift variant.
Genome position (GRCh38, 1-based): chr17:31,338,106-31,338,107, GC duplicated. VCF-style (leftmost placement, unchanged base first): chr17-31338105-G-GGC. GRCh37 (hg19) VCF-style: chr17-29665123-G-GGC.
Other names: c.6723_6724dup, p.Gln2242fs (NM_000267.4); short protein forms Q2242fs, Q2263fs.
Identifiers: ClinVar variation 4974958 (VCV004974958.1).